The following is an entry in ClinVar:

NM_152296.5(ATP1A3):c.955G>A (p.Val319Met)

Gene: ATP1A3 (ATPase Na+/K+ transporting subunit alpha 3; minus strand). Cytogenetic location: 19q13.2.
Variant type: single nucleotide variant.
Coding change: c.955G>A on transcript NM_152296.5 (MANE Select); coding-DNA position 955, G replaced by A.
Protein change: p.Val319Met; replaces valine 319 with methionine.
Molecular consequence: missense variant.
Genome position (GRCh38, 1-based): chr19:41,984,956, C>T on the plus strand (G>A on the coding strand, the complement: ATP1A3 is on the minus strand). VCF-style: chr19-41984956-C-T. GRCh37 (hg19) VCF-style: chr19-42489108-C-T.
Other names: c.988G>A, p.Val330Met (NM_001256213.2); c.994G>A, p.Val332Met (NM_001256214.2); short protein forms V319M, V330M, V332M.
Identifiers: ClinVar variation 4802158 (VCV004802158.1).

ClinVar aggregate classification (germline): Uncertain significance (1 of 4 stars; one submission).

Conditions:
Dystonia 12 (DYT12). Also called: DYT-ATP1A3; Rapid-Onset Dystonia-Parkinsonism (RDP). Identifiers: Orphanet 71517, MedGen C1868681, MONDO:0007496, OMIM 128235.

gnomAD v4.1: 1 of 1,613,828 alleles (0.000062%); highest among the groups gnomAD compares: Non-Finnish European, 0.000085%; no homozygotes.

Submission:

Labcorp Genetics (formerly Invitae), Labcorp
Classification: Uncertain significance for Dystonia 12. Last evaluated: 2025-11-04. Review status: criteria provided, single submitter. Criteria: Invitae Variant Classification Sherloc (09022015). Collection method: clinical testing. Allele origin: germline.
Comment: This sequence change replaces valine, which is neutral and non-polar, with methionine, which is neutral and non-polar, at codon 319 of the ATP1A3 protein (p.Val319Met). This variant is not present in population databases (gnomAD no frequency). This variant has not been reported in the literature in individuals affected with ATP1A3-related conditions. Invitae Evidence Modeling of protein sequence and biophysical properties (such as structural, functional, and spatial information, amino acid conservation, physicochemical variation, residue mobility, and thermodynamic stability) indicates that this missense variant is expected to disrupt ATP1A3 protein function with a positive predictive value of 95%. In summary, the available evidence is currently insufficient to determine the role of this variant in disease. Therefore, it has been classified as a Variant of Uncertain Significance.